The following is an entry in ClinVar:

ClinVar aggregate classification (germline): Conflicting classifications of pathogenicity. Review status: criteria provided, conflicting classifications (1 of 4 stars). 6 submissions from 6 submitters: Uncertain significance (1); Benign (2); Likely benign (3). Last evaluated 2025-08-16.

Conditions:
EHMT1-related disorder. Also called: EHMT1-related condition.
Inborn genetic diseases. Identifiers: MedGen C0950123, MeSH D030342.
Kleefstra syndrome 1 (KLEFS1). Identifiers: Orphanet 261494, MedGen C0795833, MONDO:0027407, OMIM 610253.

Allele frequency attached by ClinVar (database versions not stated): gnomAD exomes 0.00011 and 0.00007; gnomAD 0.00003 and 0.00004; ExAC 0.00004; TOPMed 0.00008.
gnomAD v4.1: 165 of 1,612,414 alleles (0.01%); highest among the groups gnomAD compares: Admixed American, 0.013%; no homozygotes.

Submissions (6):

Labcorp Genetics (formerly Invitae), Labcorp
Classification: Likely benign for Kleefstra syndrome 1. Last evaluated: 2025-08-16. Review status: criteria provided, single submitter. Criteria: Invitae Variant Classification Sherloc (09022015). Collection method: clinical testing. Allele origin: germline.

PreventionGenetics, part of Exact Sciences
Classification: Likely benign for EHMT1-related condition. Last evaluated: 2025-04-19. Review status: criteria provided, single submitter. Criteria: ACMG Guidelines, 2015. Collection method: clinical testing. Allele origin: germline.
Comment: This variant is classified as likely benign based on ACMG/AMP sequence variant interpretation guidelines (Richards et al. 2015 PMID: 25741868, with internal and published modifications).

GeneDx
Classification: Likely benign. Last evaluated: 2020-06-23. Review status: criteria provided, single submitter. Criteria: GeneDx Variant Classification Process June 2021. Collection method: clinical testing. Allele origin: germline. Affected: yes.

Ambry Genetics
Classification: Benign for Inborn genetic diseases. Last evaluated: 2018-11-16. Review status: criteria provided, single submitter. Criteria: Ambry Variant Classification Scheme 2023. Collection method: clinical testing. Allele origin: germline.

Eurofins Ntd Llc (ga)
Classification: Uncertain significance. Last evaluated: 2015-02-25. Review status: criteria provided, single submitter. Criteria: EGL Classification Definitions 2015. Collection method: clinical testing. Allele origin: germline. Observed: 1 variant allele, 1 heterozygote.

Laboratory of Genetics, Children's Clinical University Hospital Latvia
Classification: Benign for Kleefstra syndrome 1. Review status: criteria provided, single submitter. Criteria: ACMG Guidelines, 2015. Collection method: curation. Allele origin: de novo. Affected: yes.
Comment: de novo

Literature cited by the submitters: PubMed 39013458 (cited by Laboratory of Genetics, Children's Clinical University Hospital Latvia).

NM_024757.5(EHMT1):c.589G>A (p.Asp197Asn)

Gene: EHMT1 (euchromatic histone lysine methyltransferase 1; plus strand). Cytogenetic location: 9q34.3.
Variant type: single nucleotide variant.
Coding change: c.589G>A on transcript NM_024757.5 (MANE Select); coding-DNA position 589, G replaced by A.
Protein change: p.Asp197Asn; replaces aspartic acid 197 with asparagine.
Molecular consequence: missense variant.
Genome position (GRCh38, 1-based): chr9:137,717,129, G>A. VCF-style: chr9-137717129-G-A. GRCh37 (hg19) VCF-style: chr9-140611581-G-A.
Other names: c.589G>A, p.Asp197Asn (NM_001145527.2, NM_001354263.2, NM_001354611.2); c.496G>A, p.Asp166Asn (NM_001354259.2, NM_001354612.2); short protein forms D197N, D166N.
Identifiers: ClinVar variation 196519 (VCV000196519.20), dbSNP rs774174988, ClinGen allele CA243495.